The following is an entry in ClinVar:

NM_001999.4(FBN2):c.7632G>T (p.Gln2544His)

Gene: FBN2 (fibrillin 2; minus strand). Cytogenetic location: 5q23.3.
Variant type: single nucleotide variant.
Coding change: c.7632G>T on transcript NM_001999.4 (MANE Select); coding-DNA position 7632, G replaced by T.
Protein change: p.Gln2544His; replaces glutamine 2544 with histidine.
Molecular consequence: missense variant.
Genome position (GRCh38, 1-based): chr5:128,274,646, C>A on the plus strand (G>T on the coding strand, the complement: FBN2 is on the minus strand). VCF-style: chr5-128274646-C-A. GRCh37 (hg19) VCF-style: chr5-127610338-C-A.
Other names: short protein forms Q2544H.
Identifiers: ClinVar variation 1007509 (VCV001007509.9), dbSNP rs1451291857, ClinGen allele CA360753400.

ClinVar aggregate classification (germline): Uncertain significance (1 of 4 stars; one submission).

Conditions:
Congenital contractural arachnodactyly (CCA). Also called: Beals-Hecht syndrome; Arthrogryposis, distal, type 9; BEALS SYNDROME. Identifiers: Orphanet 115, MedGen C0220668, MONDO:0007363, OMIM 121050.

Allele frequency attached by ClinVar (database versions not stated): TOPMed below 0.00001; gnomAD 0.00001.
gnomAD v4.1: 1 of 1,613,146 alleles (0.000062%); highest among the groups gnomAD compares: African/African-American, 0.0013%; no homozygotes.

Submission:

Labcorp Genetics (formerly Invitae), Labcorp
Classification: Uncertain significance for Congenital contractural arachnodactyly. Last evaluated: 2025-03-17. Review status: criteria provided, single submitter. Criteria: Invitae Variant Classification Sherloc (09022015). Collection method: clinical testing. Allele origin: germline.
Comment: This sequence change replaces glutamine, which is neutral and polar, with histidine, which is basic and polar, at codon 2544 of the FBN2 protein (p.Gln2544His). This variant is not present in population databases (gnomAD no frequency). This variant has not been reported in the literature in individuals affected with FBN2-related conditions. ClinVar contains an entry for this variant (Variation ID: 1007509). Invitae Evidence Modeling of protein sequence and biophysical properties (such as structural, functional, and spatial information, amino acid conservation, physicochemical variation, residue mobility, and thermodynamic stability) indicates that this missense variant is expected to disrupt FBN2 protein function with a positive predictive value of 80%. In summary, the available evidence is currently insufficient to determine the role of this variant in disease. Therefore, it has been classified as a Variant of Uncertain Significance.